The following is an entry in ClinVar:

NC_000013.11:g.48303679C>G

Genes: RB1 (RB transcriptional corepressor 1; plus strand), RB1-DT (RB1 divergent transcript; minus strand). Cytogenetic location: 13q14.2.
Variant type: single nucleotide variant.
Molecular consequence: non-coding transcript variant (on NR_046414.2).
Genome position: GRCh38 VCF-style: chr13-48303679-C-G. GRCh37 (hg19) VCF-style: chr13-48877815-C-G.
Identifiers: ClinVar variation 2889662 (VCV002889662.5), dbSNP rs886631251, ClinGen allele CA249841989.

ClinVar aggregate classification (germline): Benign. Review status: criteria provided, single submitter (1 of 4 stars). 2 submissions from 2 submitters: Benign (1). 1 of the submissions does not count toward it. Last evaluated 2026-01-09.

Conditions:
RB1-related disorder. Also called: RB1-related condition.
Retinoblastoma (RB1). Also called: RETINOBLASTOMA, SOMATIC. Identifiers: Orphanet 790, MedGen C0035335, MeSH D012175, MONDO:0008380, OMIM 180200, HP:0009919. Disease mechanism: loss of function. Inheritance: Both sporadic and heritable forms are tested..

Allele frequency attached by ClinVar (database versions not stated): gnomAD exomes 0.00002; 1000 Genomes Project 30x 0.00047.

Submissions (2):

Labcorp Genetics (formerly Invitae), Labcorp
Classification: Benign for Retinoblastoma. Last evaluated: 2026-01-09. Review status: criteria provided, single submitter. Criteria: Invitae Variant Classification Sherloc (09022015). Collection method: clinical testing. Allele origin: germline.

PreventionGenetics, part of Exact Sciences
Classification: Likely benign for RB1-related condition. Last evaluated: 2023-01-03. Review status: no assertion criteria provided. Collection method: clinical testing. Allele origin: germline. Not counted in ClinVar's aggregate classification.
Comment: This variant is classified as likely benign based on ACMG/AMP sequence variant interpretation guidelines (Richards et al. 2015 PMID: 25741868, with internal and published modifications).